The following is an entry in ClinVar:

ClinVar aggregate classification (germline): Benign/Likely benign. Review status: criteria provided, multiple submitters, no conflicts (2 of 4 stars). 3 submissions from 3 submitters: Benign (1); Likely benign (2). Last evaluated 2025-03-25.

Conditions:
Hereditary cancer-predisposing syndrome. Also called: Neoplastic Syndromes, Hereditary; Hereditary Cancer Syndrome; Tumor predisposition; Hereditary neoplastic syndrome. Identifiers: Orphanet 140162, MedGen C0027672, MeSH D009386, MONDO:0015356.
Ataxia-telangiectasia syndrome (AT). Also called: LOUIS-BAR SYNDROME; Cerebello-oculocutaneous telangiectasia; Immunodeficiency with ataxia telangiectasia; Ataxia-telangiectasia, complementation group D; AT, COMPLEMENTATION GROUP C; Ataxia-telangiectasia, complementation group E. Identifiers: Orphanet 100, MedGen C0004135, MONDO:0008840, OMIM 208900.
Familial cancer of breast. Also called: Hereditary breast cancer; BREAST CANCER, FAMILIAL; hereditary breast carcinoma. Identifiers: Orphanet 227535, MedGen C0346153, MONDO:0016419, OMIM 114480. Disease mechanism: loss of function.

Allele frequency attached by ClinVar (database versions not stated): gnomAD exomes below 0.00001.
gnomAD v4.1: 1 of 1,610,688 alleles (0.000062%); highest among the groups gnomAD compares: Non-Finnish European, 0.000085%; no homozygotes.

Submissions (3):

Labcorp Genetics (formerly Invitae), Labcorp
Classification: Likely benign for Ataxia-telangiectasia syndrome. Last evaluated: 2025-03-25. Review status: criteria provided, single submitter. Criteria: Invitae Variant Classification Sherloc (09022015). Collection method: clinical testing. Allele origin: germline.

Myriad Genetics, Inc.
Classification: Benign for Familial cancer of breast. Last evaluated: 2024-06-18. Review status: criteria provided, single submitter. Criteria: Myriad Autosomal Dominant, Autosomal Recessive and X-Linked Classification Criteria (2023). Collection method: clinical testing. Allele origin: unknown.
Comment: This variant is considered benign. This variant is a silent/synonymous amino acid change and it is not expected to impact splicing.

Ambry Genetics
Classification: Likely benign for Hereditary cancer-predisposing syndrome. Last evaluated: 2019-10-18. Review status: criteria provided, single submitter. Criteria: Ambry Variant Classification Scheme 2023. Collection method: clinical testing. Allele origin: germline.

NM_000051.4(ATM):c.7950C>T (p.Asp2650=)

Genes: ATM (ATM serine/threonine kinase; plus strand), C11orf65 (chromosome 11 open reading frame 65; minus strand). Cytogenetic location: 11q22.3.
Variant type: single nucleotide variant.
Coding change: c.7950C>T on transcript NM_000051.4 (MANE Select); coding-DNA position 7950, C replaced by T.
Protein change: p.Asp2650=; no amino-acid change (aspartic acid 2650 retained).
Molecular consequence: synonymous variant. On other transcripts: intron variant (2).
Genome position (GRCh38, 1-based): chr11:108,333,908, C>T. VCF-style: chr11-108333908-C-T. GRCh37 (hg19) VCF-style: chr11-108204635-C-T.
Other names: c.7950C>T, p.Asp2650= (NM_001351834.2); c.641-24837G>A (NM_001330368.2); c.*38+1312G>A (NM_001351110.2).
Identifiers: ClinVar variation 414588 (VCV000414588.55), dbSNP rs1060504298, ClinGen allele CA16613144.